The following is an entry in ClinVar:

NM_007194.4(CHEK2):c.505T>A (p.Phe169Ile)

Gene: CHEK2 (checkpoint kinase 2; minus strand). Cytogenetic location: 22q12.1.
Variant type: single nucleotide variant.
Coding change: c.505T>A on transcript NM_007194.4 (MANE Select); coding-DNA position 505, T replaced by A.
Protein change: p.Phe169Ile; replaces phenylalanine 169 with isoleucine.
Molecular consequence: missense variant. On other transcripts: 5 prime UTR variant (2), intron variant (1).
Genome position (GRCh38, 1-based): chr22:28,725,064, A>T on the plus strand (T>A on the coding strand, the complement: CHEK2 is on the minus strand). VCF-style: chr22-28725064-A-T. GRCh37 (hg19) VCF-style: chr22-29121052-A-T.
Other names: c.634T>A, p.Phe212Ile (NM_001005735.3, NM_001438294.1); c.-273T>A (NM_001257387.3); c.-159T>A (NM_001437942.1); c.598T>A, p.Phe200Ile (NM_001438293.1, NM_001438295.1); c.505T>A, p.Phe169Ile (NM_145862.3); c.445-141T>A (NM_001349956.3); short protein forms F169I, F212I, F200I.
Identifiers: ClinVar variation 232258 (VCV000232258.16), dbSNP rs876659653, ClinGen allele CA10581091.

ClinVar aggregate classification (germline): Uncertain significance. Review status: criteria provided, multiple submitters, no conflicts (2 of 4 stars). 2 submissions from 2 submitters: Uncertain significance (2). Last evaluated 2019-05-25.

Conditions:
Hereditary cancer-predisposing syndrome. Also called: Neoplastic Syndromes, Hereditary; Tumor predisposition; Hereditary Cancer Syndrome; Hereditary neoplastic syndrome. Identifiers: Orphanet 140162, MedGen C0027672, MeSH D009386, MONDO:0015356.
Familial cancer of breast. Also called: BREAST CANCER, FAMILIAL; hereditary breast carcinoma; Hereditary breast cancer. Identifiers: Orphanet 227535, MedGen C0346153, MONDO:0016419, OMIM 114480. Disease mechanism: loss of function.

Submissions (2):

Labcorp Genetics (formerly Invitae), Labcorp
Classification: Uncertain significance for Familial cancer of breast. Last evaluated: 2019-05-25. Review status: criteria provided, single submitter. Criteria: Invitae Variant Classification Sherloc (09022015). Collection method: clinical testing. Allele origin: germline.
Comment: This sequence change replaces phenylalanine with isoleucine at codon 169 of the CHEK2 protein (p.Phe169Ile). The phenylalanine residue is highly conserved and there is a small physicochemical difference between phenylalanine and isoleucine. This variant is not present in population databases (ExAC no frequency). This variant has been observed in an individual affected with colorectal cancer (PMID: 28135145). ClinVar contains an entry for this variant (Variation ID: 232258). Algorithms developed to predict the effect of missense changes on protein structure and function are either unavailable or do not agree on the potential impact of this missense change (SIFT: "Deleterious"; PolyPhen-2: "Probably Damaging"; Align-GVGD: "Class C15"). In summary, the available evidence is currently insufficient to determine the role of this variant in disease. Therefore, it has been classified as a Variant of Uncertain Significance.

Ambry Genetics
Classification: Uncertain significance for Hereditary cancer-predisposing syndrome. Last evaluated: 2015-06-05. Review status: criteria provided, single submitter. Criteria: Ambry Variant Classification Scheme 2023. Collection method: clinical testing. Allele origin: germline.
Comment: The p.F169I variant (also known as c.505T>A), located in coding exon 3 of the CHEK2 gene, results from a T to A substitution at nucleotide position 505. The phenylalanine at codon 169 is replaced by isoleucine, an amino acid with highly similar properties. This variant was not reported in population based cohorts in the following databases: Database of Single Nucleotide Polymorphisms (dbSNP), NHLBI Exome Sequencing Project (ESP), and 1000 Genomes Project. In the ESP, this variant was not observed in 6502 samples (13004 alleles) with coverage at this position. To date, this alteration has been detected with an allele frequency of approximately 0.001% (greater than 72000 alleles tested) in our clinical cohort. This amino acid position is well conserved in available vertebrate species. In addition, this alteration is predicted to be probably damaging and deleterious by PolyPhen and SIFT in silico analyses, respectively. Since supporting evidence is limited at this time, the clinical significance of p.F169I remains unclear.

Literature cited by the submitters: PubMed 28135145 (cited by Labcorp Genetics (formerly Invitae), Labcorp).